The following is an entry in ClinVar:

NM_001365276.2(TNXB):c.1013G>A (p.Gly338Asp)

Gene: TNXB (tenascin XB; minus strand). Cytogenetic location: 6p21.33.
Variant type: single nucleotide variant.
Coding change: c.1013G>A on transcript NM_001365276.2 (MANE Select); coding-DNA position 1013, G replaced by A.
Protein change: p.Gly338Asp; replaces glycine 338 with aspartic acid.
Molecular consequence: missense variant.
Genome position (GRCh38, 1-based): chr6:32,096,840, C>T on the plus strand (G>A on the coding strand, the complement: TNXB is on the minus strand). VCF-style: chr6-32096840-C-T. GRCh37 (hg19) VCF-style: chr6-32064617-C-T.
Other names: c.1013G>A, p.Gly338Asp (NM_019105.8); short protein forms G338D.
Identifiers: ClinVar variation 2451192 (VCV002451192.2), dbSNP rs2483762358, ClinGen allele CA363484257.

ClinVar aggregate classification (germline): Uncertain significance (1 of 4 stars; one submission).

Conditions:
Cardiovascular phenotype. Identifiers: MedGen CN230736.

Submission:

Ambry Genetics
Classification: Uncertain significance for Cardiovascular phenotype. Last evaluated: 2023-02-26. Review status: criteria provided, single submitter. Criteria: Ambry Variant Classification Scheme 2023. Collection method: clinical testing. Allele origin: germline.
Comment: The p.G338D variant (also known as c.1013G>A), located in coding exon 2 of the TNXB gene, results from a G to A substitution at nucleotide position 1013. The glycine at codon 338 is replaced by aspartic acid, an amino acid with similar properties. This amino acid position is conserved. In addition, this alteration is predicted to be tolerated by in silico analysis. Since supporting evidence is limited at this time, the clinical significance of this alteration remains unclear.